The following is an entry in ClinVar:

ClinVar aggregate classification (germline): Likely benign. Review status: criteria provided, multiple submitters, no conflicts (2 of 4 stars). 2 submissions from 2 submitters: Likely benign (2). Last evaluated 2025-04-01.

Allele frequency attached by ClinVar (database versions not stated): gnomAD exomes below 0.00001; ExAC 0.00001; TOPMed 0.00001; gnomAD 0.00003; ESP Exome Variant Server 0.00008.
gnomAD v4.1: 9 of 1,614,004 alleles (0.00056%); highest among the groups gnomAD compares: African/African-American, 0.0067%; no homozygotes.

Submissions (2):

Mayo Clinic Laboratories, Mayo Clinic
Classification: Likely benign. Last evaluated: 2025-04-01. Review status: criteria provided, single submitter. Criteria: ACMG Guidelines, 2015. Collection method: clinical testing. Allele origin: germline. Observed: 1 variant allele.
Comment: BP4, BP7

Labcorp Genetics (formerly Invitae), Labcorp
Classification: Likely benign. Last evaluated: 2023-10-13. Review status: criteria provided, single submitter. Criteria: Invitae Variant Classification Sherloc (09022015). Collection method: clinical testing. Allele origin: germline.

NM_001378457.1(DMXL2):c.4293A>G (p.Leu1431=)

Gene: DMXL2 (Dmx like 2; minus strand). Cytogenetic location: 15q21.2.
Variant type: single nucleotide variant.
Coding change: c.4293A>G on transcript NM_001378457.1 (MANE Select); coding-DNA position 4293, A replaced by G.
Protein change: p.Leu1431=; no amino-acid change (leucine 1431 retained).
Molecular consequence: synonymous variant. On other transcripts: non-coding transcript variant (2), intron variant (2).
Genome position (GRCh38, 1-based): chr15:51,498,931, T>C on the plus strand (A>G on the coding strand, the complement: DMXL2 is on the minus strand). VCF-style: chr15-51498931-T-C. GRCh37 (hg19) VCF-style: chr15-51791128-T-C.
Other names: p.Leu1431=; c.4293A>G, p.Leu1431= (NM_001174116.3, NM_001378458.1, NM_001378459.1 and 4 more transcripts); c.4053A>G, p.Leu1351= (NM_001378464.1); c.2765-7184A>G (NM_001378460.1); c.2765-3797A>G (NM_001174117.3); c.4293A>G (NM_001174116.2).
Identifiers: ClinVar variation 2793664 (VCV002793664.4), dbSNP rs146290812, ClinGen allele CA7562038.
Genomic context (GRCh38, chr15:51,498,931, plus strand): 5'-CTTTGTACTTTCTTCTGAAATTCTGTAGGATGTATCTTGATCTGCAGCAAGTAATGCATA[T>C]AGTGGTAGTGGAGGGATAGAATCTATCTCAGTATAATCTCGAGTACCATCTTTTCCTACG-3'
Protein context (NP_001365386.1, residues 1421-1441): TEIDSIPPLP[Leu1431=]YALLAADQDT